The following is an entry in ClinVar:

NM_148919.4(PSMB8):c.21C>A (p.Cys7Ter)

Gene: PSMB8 (proteasome 20S subunit beta 8; minus strand). Cytogenetic location: 6p21.32.
Variant type: single nucleotide variant.
Coding change: c.21C>A on transcript NM_148919.4 (MANE Select); coding-DNA position 21, C replaced by A.
Protein change: p.Cys7Ter; replaces cysteine 7 with a stop codon.
Molecular consequence: nonsense. On other transcripts: intron variant (1).
Genome position (GRCh38, 1-based): chr6:32,843,976, G>T on the plus strand (C>A on the coding strand, the complement: PSMB8 is on the minus strand). VCF-style: chr6-32843976-G-T. GRCh37 (hg19) VCF-style: chr6-32811753-G-T.
Other names: c.135+303C>A (NM_004159.5); short protein forms C7*.
Identifiers: ClinVar variation 3645559 (VCV003645559.2).

ClinVar aggregate classification (germline): Pathogenic (1 of 4 stars; one submission).

Conditions:
Proteosome-associated autoinflammatory syndrome. Also called: Proteasome-associated autoinflammatory syndrome. Identifiers: Orphanet 324977, MedGen C1850568, MONDO:0009726.

Submission:

Labcorp Genetics (formerly Invitae), Labcorp
Classification: Pathogenic for Proteosome-associated autoinflammatory syndrome. Last evaluated: 2024-03-18. Review status: criteria provided, single submitter. Criteria: Invitae Variant Classification Sherloc (09022015). Collection method: clinical testing. Allele origin: germline.
Comment: This sequence change creates a premature translational stop signal (p.Cys7*) in the PSMB8 gene. It is expected to result in an absent or disrupted protein product. Loss-of-function variants in PSMB8 are known to be pathogenic (PMID: 26524591). This variant is not present in population databases (gnomAD no frequency). This variant has not been reported in the literature in individuals affected with PSMB8-related conditions. For these reasons, this variant has been classified as Pathogenic.

Literature cited by the submitters: PubMed 26524591.